The following is an entry in ClinVar:

NM_006514.4(SCN10A):c.3403T>C (p.Trp1135Arg)

Genes: SCN10A (sodium voltage-gated channel alpha subunit 10; minus strand), LOC110121288 (VISTA enhancer hs2268; plus strand). Cytogenetic location: 3p22.2.
Variant type: single nucleotide variant.
Coding change: c.3403T>C on transcript NM_006514.4 (MANE Select); coding-DNA position 3403, T replaced by C.
Protein change: p.Trp1135Arg; replaces tryptophan 1135 with arginine.
Molecular consequence: missense variant.
Genome position (GRCh38, 1-based): chr3:38,722,362, A>G on the plus strand (T>C on the coding strand, the complement: SCN10A is on the minus strand). VCF-style: chr3-38722362-A-G. GRCh37 (hg19) VCF-style: chr3-38763853-A-G.
Other names: c.3403T>C (NM_006514.2); c.3400T>C, p.Trp1134Arg (NM_001293306.2); c.3109T>C, p.Trp1037Arg (NM_001293307.2); short protein forms W1134R, W1135R, W1037R.
Identifiers: ClinVar variation 1445480 (VCV001445480.7), dbSNP rs769714725, ClinGen allele CA72957789.

ClinVar aggregate classification (germline): Uncertain significance. Review status: criteria provided, multiple submitters, no conflicts (2 of 4 stars). 2 submissions from 2 submitters: Uncertain significance (2). Last evaluated 2025-10-20.

Conditions:
Cardiovascular phenotype. Identifiers: MedGen CN230736.
Brugada syndrome. Also called: Sudden unexpected nocturnal death syndrome; Sudden unexplained nocturnal death syndrome; Sudden Unexplained Death Syndrome; Sudden Unexplained Nocturnal Death Syndrome (SUNDS). Identifiers: Orphanet 130, MedGen C1142166, MONDO:0015263.

Allele frequency attached by ClinVar (database versions not stated): gnomAD exomes below 0.00001 and 0.00001; gnomAD 0.00002; TOPMed below 0.00001.
gnomAD v4.1: 9 of 1,613,874 alleles (0.00056%); highest among the groups gnomAD compares: Non-Finnish European, 0.00076%; no homozygotes.

Submissions (2):

Ambry Genetics
Classification: Uncertain significance for Cardiovascular phenotype. Last evaluated: 2025-10-20. Review status: criteria provided, single submitter. Criteria: Ambry Variant Classification Scheme 2023. Collection method: clinical testing. Allele origin: germline.
Comment: The p.W1135R variant (also known as c.3403T>C), located in coding exon 19 of the SCN10A gene, results from a T to C substitution at nucleotide position 3403. The tryptophan at codon 1135 is replaced by arginine, an amino acid with dissimilar properties. This amino acid position is not well conserved in available vertebrate species. In addition, the in silico prediction for this alteration is inconclusive. The evidence for this gene-disease relationship is limited; therefore, the clinical significance of this alteration is unclear.

Labcorp Genetics (formerly Invitae), Labcorp
Classification: Uncertain significance for Brugada syndrome. Last evaluated: 2021-02-03. Review status: criteria provided, single submitter. Criteria: Invitae Variant Classification Sherloc (09022015). Collection method: clinical testing. Allele origin: germline.
Comment: In summary, the available evidence is currently insufficient to determine the role of this variant in disease. Therefore, it has been classified as a Variant of Uncertain Significance. Algorithms developed to predict the effect of missense changes on protein structure and function are either unavailable or do not agree on the potential impact of this missense change (SIFT: "Tolerated"; PolyPhen-2: "Probably Damaging"; Align-GVGD: "Class C0"). This variant has been observed in individual(s) with atrial fibrillation (PMID: 25053638). This variant is not present in population databases (ExAC no frequency). This sequence change replaces tryptophan with arginine at codon 1135 of the SCN10A protein (p.Trp1135Arg). The tryptophan residue is moderately conserved and there is a moderate physicochemical difference between tryptophan and arginine.

Literature cited by the submitters: PubMed 25053638 (cited by Labcorp Genetics (formerly Invitae), Labcorp).